The following is an entry in ClinVar:

NC_000015.9:g.(?_40702817)_(40708571_?)del

Gene: IVD (isovaleryl-CoA dehydrogenase; plus strand). Cytogenetic location: 15q15.1.
Variant type: Deletion.
Identifiers: ClinVar variation 1519133 (VCV001519133.6).

ClinVar aggregate classification (germline): Likely pathogenic (1 of 4 stars; one submission).

Conditions:
Isovaleryl-CoA dehydrogenase deficiency (IVA). Also called: Isovaleric acidemia; Classic Isovaleric Acidemia; ISOVALERIC ACID CoA DEHYDROGENASE DEFICIENCY; IVD DEFICIENCY. Identifiers: Orphanet 33, MedGen C0268575, MONDO:0009475, OMIM 243500.

Submission:

Labcorp Genetics (formerly Invitae), Labcorp
Classification: Likely pathogenic for Isovaleryl-CoA dehydrogenase deficiency. Last evaluated: 2021-03-23. Review status: criteria provided, single submitter. Criteria: Invitae Variant Classification Sherloc (09022015). Collection method: clinical testing. Allele origin: germline.
Comment: In summary, the currently available evidence indicates that the variant is pathogenic, but additional data are needed to prove that conclusively. Therefore, this variant has been classified as Likely Pathogenic. This variant disrupts the p.Asp359 amino acid residue in IVD. Other variant(s) that disrupt this residue have been determined to be pathogenic (Invitae). This suggests that this residue is clinically significant, and that variants that disrupt this residue are likely to be disease-causing. This variant has not been reported in the literature in individuals with IVD-related conditions. This variant is a gross deletion of the genomic region encompassing exon(s) 4-11 of the IVD gene. This variant would be expected to be in-frame, preserving the integrity of the reading frame.